The following is an entry in ClinVar:

NM_003128.3(SPTBN1):c.6105A>C (p.Gly2035=)

Gene: SPTBN1 (spectrin beta, non-erythrocytic 1; plus strand). Cytogenetic location: 2p16.2.
Variant type: single nucleotide variant.
Coding change: c.6105A>C on transcript NM_003128.3 (MANE Select); coding-DNA position 6105, A replaced by C.
Protein change: p.Gly2035=; no amino-acid change (glycine 2035 retained).
Molecular consequence: synonymous variant.
Genome position (GRCh38, 1-based): chr2:54,657,908, A>C. VCF-style: chr2-54657908-A-C. GRCh37 (hg19) VCF-style: chr2-54885045-A-C.
Other names: c.6066A>C, p.Gly2022= (NM_178313.3).
Identifiers: ClinVar variation 2650931 (VCV002650931.24), dbSNP rs148763642, ClinGen allele CA1661564.

ClinVar aggregate classification (germline): Likely benign (1 of 4 stars; one submission).

Allele frequency attached by ClinVar (database versions not stated): TOPMed 0.00006; gnomAD exomes 0.00007; gnomAD 0.00008; ExAC 0.00011; ESP Exome Variant Server 0.00015.
gnomAD v4.1: 117 of 1,614,106 alleles (0.0072%); highest among the groups gnomAD compares: Middle Eastern, 0.033%; no homozygotes.

Submission:

CeGaT Center for Human Genetics Tuebingen
Classification: Likely benign. Last evaluated: 2023-04-01. Review status: criteria provided, single submitter. Criteria: CeGaT Center For Human Genetics Tuebingen Variant Classification Criteria Version 2. Collection method: clinical testing. Allele origin: germline. Affected: yes. Observed: 2 variant alleles.
Comment: SPTBN1: BP4, BP7